The following is an entry in ClinVar:

ClinVar aggregate classification (germline): Uncertain significance (1 of 4 stars; one submission).

Conditions:
Cystic fibrosis (CF). Also called: MUCOVISCIDOSIS. Identifiers: Orphanet 586, MedGen C0010674, MONDO:0009061, OMIM 219700. Disease mechanism: loss of function.

Allele frequency attached by ClinVar (database versions not stated): gnomAD exomes below 0.00001.

Submission:

Ambry Genetics
Classification: Uncertain significance for Cystic fibrosis. Last evaluated: 2025-12-07. Review status: criteria provided, single submitter. Criteria: Ambry Variant Classification Scheme 2023. Collection method: clinical testing. Allele origin: germline.
Comment: The p.A299V variant (also known as c.896C>T), located in coding exon 8 of the CFTR gene, results from a C to T substitution at nucleotide position 896. The alanine at codon 299 is replaced by valine, an amino acid with similar properties. This amino acid position is conserved. In addition, the in silico prediction for this alteration is inconclusive. Since supporting evidence is limited at this time, the clinical significance of this alteration remains unclear.

NM_000492.4(CFTR):c.896C>T (p.Ala299Val)

Gene: CFTR (CF transmembrane conductance regulator; plus strand). Cytogenetic location: 7q31.2.
Variant type: single nucleotide variant.
Coding change: c.896C>T on transcript NM_000492.4 (MANE Select); coding-DNA position 896, C replaced by T.
Protein change: p.Ala299Val; replaces alanine 299 with valine.
Molecular consequence: missense variant.
Genome position (GRCh38, 1-based): chr7:117,540,126, C>T. VCF-style: chr7-117540126-C-T. GRCh37 (hg19) VCF-style: chr7-117180180-C-T.
Other names: short protein forms A299V.
Identifiers: ClinVar variation 1765279 (VCV001765279.3), dbSNP rs1199381229, ClinGen allele CA368978007.